The following is an entry in ClinVar:

NM_004247.4(EFTUD2):c.2624del (p.Ile875fs)

Gene: EFTUD2 (elongation factor Tu GTP binding domain containing 2; minus strand). Cytogenetic location: 17q21.31.
Variant type: Deletion.
Coding change: c.2624del on transcript NM_004247.4 (MANE Select); coding-DNA position 2624, one base deleted (T; older notation c.2624delT).
Protein change: p.Ile875fs; shifts the reading frame from isoleucine 875.
Molecular consequence: frameshift variant.
Genome position (GRCh38, 1-based): chr17:44,852,500, A deleted on the plus strand (T on the coding strand, the reverse complement: EFTUD2 is on the minus strand). VCF-style (leftmost placement, unchanged base first): chr17-44852499-GA-G. GRCh37 (hg19) VCF-style: chr17-42929867-GA-G.
Other names: c.2519del, p.Ile840fs (NM_001142605.2); c.2624del, p.Ile875fs (NM_001258353.2); c.2594del, p.Ile865fs (NM_001258354.2); short protein forms I840fs, I865fs, I875fs.
Identifiers: ClinVar variation 1691639 (VCV001691639.3), dbSNP rs2145431524, ClinGen allele CA2573153946.
Genomic context (GRCh38, chr17:44,852,499, plus strand): 5'-GGCTTGTCCCTGGGTGTGAGTCCGGAGATCAGTCTCAAAGCCAAAAGAGTCGATGGCCGG[GA>G]TAAAAGCTTTGATGGTGTACAGAGGGGAGCCTGGGATGGGTGCATCCTGAGTCACGTGCC-3'

ClinVar aggregate classification (germline): Likely pathogenic (1 of 4 stars; one submission).

Submission:

GeneDx
Classification: Likely pathogenic. Last evaluated: 2022-05-31. Review status: criteria provided, single submitter. Criteria: GeneDx Variant Classification Process June 2021. Collection method: clinical testing. Allele origin: germline. Affected: yes.
Comment: Frameshift variant in the C-terminus predicted to result in protein truncation, as the last 98 amino acids are lost and replaced with 59 incorrect amino acids; Not observed in large population cohorts (gnomAD); Has not been previously published as pathogenic or benign to our knowledge